The following is an entry in ClinVar:

NM_000478.6(ALPL):c.1099T>A (p.Ser367Thr)

Gene: ALPL (alkaline phosphatase, biomineralization associated; plus strand). Cytogenetic location: 1p36.12.
Variant type: single nucleotide variant.
Coding change: c.1099T>A on transcript NM_000478.6 (MANE Select); coding-DNA position 1099, T replaced by A.
Protein change: p.Ser367Thr; replaces serine 367 with threonine.
Molecular consequence: missense variant.
Genome position (GRCh38, 1-based): chr1:21,575,834, T>A. VCF-style: chr1-21575834-T-A. GRCh37 (hg19) VCF-style: chr1-21902327-T-A.
Other names: c.934T>A, p.Ser312Thr (NM_001127501.4); c.868T>A, p.Ser290Thr (NM_001177520.3); c.1099T>A, p.Ser367Thr (NM_001369803.2, NM_001369804.2, NM_001369805.2); short protein forms S290T, S312T, S367T.
Identifiers: ClinVar variation 1964697 (VCV001964697.9), dbSNP rs2545342410, ClinGen allele CA338881230.

ClinVar aggregate classification (germline): Conflicting classifications of pathogenicity. Review status: criteria provided, conflicting classifications (1 of 4 stars). 3 submissions from 3 submitters: Likely pathogenic (1); Uncertain significance (2). Last evaluated 2025-07-17.

Conditions:
Adult hypophosphatasia. Identifiers: Orphanet 247676, Orphanet 436, MedGen C0268413, MONDO:1010154, OMIM 146300, MONDO:0007798.

Submissions (3):

Victorian Clinical Genetics Services, Murdoch Childrens Research Institute
Classification: Uncertain significance for Adult hypophosphatasia. Last evaluated: 2025-07-17. Review status: criteria provided, single submitter. Criteria: ACMG Guidelines, 2015. Collection method: clinical testing. Allele origin: germline.
Comment: This variant is classified as VUS-3B. Evidence in support of pathogenic classification: Variant is absent from gnomAD (v2, v3 and v4). Additional information: Variant is predicted to result in a missense amino acid change from serine to threonine; This variant is heterozygous; This gene is associated with both recessive and dominant disease. Severe forms of hypophosphatasia (perinatal and infantile) are generally associated with autosomal recessive disease, while the milder forms of hypophosphatasia (childhood, adult and odontohypophosphatasia) have been associated with both autosomal dominant and recessive disease (PMID: 19500388, 23688511); Alternative amino acid change(s) at the same position are present in gnomAD (Highest allele count: v4: 54 heterozygote(s), 0 homozygote(s)); Previous evidence of pathogenicity for this variant is inconclusive. This variant has been classified as both a VUS and likely pathogenic by clinical laboratories in ClinVar. - No published segregation evidence has been identified for this variant; No published functional evidence has been identified for this variant; No comparable missense variants have previous evidence for pathogenicity. However, another missense variant with a stronger Grantham change (p.(Ser367Phe)), has been reported as both a VUS and as likely pathogenic by a clinical laboratory in ClinVar; Variant is located in the alkaline phosphatase domain (DECIPHER); Missense variant with inconclusive in silico prediction and uninformative conservation; Dominant negative and loss of function are known mechanisms of disease in this gene. Late-onset/mild disease is associated with monoallelic dominant negative variants or biallelic loss of function variants that retain residual enzyme activity, while early-onset/severe disease is caused by more complete loss of function variants (PMID: 20301329, 19500388); The condition associated with this gene has incomplete penetrance (PMID: 20301329); Variants in this gene are known to have variable expressivity (PMID: 20301329); Inheritance information for this variant is not currently available in this individual.

Women's Health and Genetics/Laboratory Corporation of America, LabCorp
Classification: Uncertain significance. Last evaluated: 2025-07-16. Review status: criteria provided, single submitter. Criteria: LabCorp Variant Classification Summary - May 2015. Collection method: clinical testing. Allele origin: germline.
Comment: Variant summary: ALPL c.1099T>A (p.Ser367Thr) results in a conservative amino acid change in the encoded protein sequence. Algorithms developed to predict the effect of missense changes on protein structure and function are either unavailable or do not agree on the potential impact of this missense change. The variant was absent in 251488 control chromosomes. The available data on variant occurrences in the general population are insufficient to allow any conclusion about variant significance. To our knowledge, no occurrence of c.1099T>A in individuals affected with Hypophosphatasia and no experimental evidence demonstrating its impact on protein function have been reported. ClinVar contains an entry for this variant (Variation ID: 1964697). Based on the evidence outlined above, the variant was classified as uncertain significance.

Labcorp Genetics (formerly Invitae), Labcorp
Classification: Likely pathogenic. Last evaluated: 2022-03-29. Review status: criteria provided, single submitter. Criteria: Invitae Variant Classification Sherloc (09022015). Collection method: clinical testing. Allele origin: germline.
Comment: Advanced modeling of protein sequence and biophysical properties (such as structural, functional, and spatial information, amino acid conservation, physicochemical variation, residue mobility, and thermodynamic stability) performed at Invitae indicates that this missense variant is expected to disrupt ALPL protein function. This variant has not been reported in the literature in individuals affected with ALPL-related conditions. This variant is not present in population databases (gnomAD no frequency). This sequence change replaces serine, which is neutral and polar, with threonine, which is neutral and polar, at codon 367 of the ALPL protein (p.Ser367Thr). This variant disrupts the p.Ser367 amino acid residue in ALPL. Other variant(s) that disrupt this residue have been determined to be pathogenic (Invitae). This suggests that this residue is clinically significant, and that variants that disrupt this residue are likely to be disease-causing. In summary, the currently available evidence indicates that the variant is pathogenic, but additional data are needed to prove that conclusively. Therefore, this variant has been classified as Likely Pathogenic.

Literature cited by the submitters: PubMed 20301329 (cited by Victorian Clinical Genetics Services, Murdoch Childrens Research Institute); PubMed 19500388 (cited by Victorian Clinical Genetics Services, Murdoch Childrens Research Institute); PubMed 23688511 (cited by Victorian Clinical Genetics Services, Murdoch Childrens Research Institute).